The following is an entry in ClinVar:

NM_000455.5(STK11):c.921-15T>C

Gene: STK11 (serine/threonine kinase 11; plus strand). Cytogenetic location: 19p13.3.
Variant type: single nucleotide variant.
Coding change: c.921-15T>C on transcript NM_000455.5 (MANE Select); 15 bases into the intron before coding-DNA position 921, T replaced by C.
Molecular consequence: intron variant.
Genome position (GRCh38, 1-based): chr19:1,222,970, T>C. VCF-style: chr19-1222970-T-C. GRCh37 (hg19) VCF-style: chr19-1222969-T-C.
Other names: c.921-15T>C (NM_001407255.1).
Identifiers: ClinVar variation 2774542 (VCV002774542.6), dbSNP rs2145430541, ClinGen allele CA2697555607.

ClinVar aggregate classification (germline): Likely benign. Review status: criteria provided, multiple submitters, no conflicts (2 of 4 stars). 3 submissions from 3 submitters: Likely benign (3). Last evaluated 2025-03-28.

Conditions:
Peutz-Jeghers syndrome (PJS). Also called: POLYPOSIS, HAMARTOMATOUS INTESTINAL; POLYPS-AND-SPOTS SYNDROME; Peutz-Jeghers polyposis; Periorificial lentiginosis syndrome. Identifiers: Orphanet 2869, MedGen C0031269, MeSH D010580, MONDO:0008280, OMIM 175200.
Hereditary cancer-predisposing syndrome. Also called: Hereditary Cancer Syndrome; Hereditary neoplastic syndrome; Tumor predisposition; Neoplastic Syndromes, Hereditary. Identifiers: Orphanet 140162, MedGen C0027672, MeSH D009386, MONDO:0015356.

Submissions (3):

Myriad Genetics, Inc.
Classification: Likely benign for Peutz-Jeghers syndrome. Last evaluated: 2025-03-28. Review status: criteria provided, single submitter. Criteria: Myriad Autosomal Dominant, Autosomal Recessive and X-Linked Classification Criteria (2023). Collection method: clinical testing. Allele origin: unknown.
Comment: This variant is considered likely benign. This variant is intronic and is not expected to impact mRNA splicing.

Labcorp Genetics (formerly Invitae), Labcorp
Classification: Likely benign for Peutz-Jeghers syndrome. Last evaluated: 2023-11-06. Review status: criteria provided, single submitter. Criteria: Invitae Variant Classification Sherloc (09022015). Collection method: clinical testing. Allele origin: germline.

Color Diagnostics, LLC DBA Color Health
Classification: Likely benign for Hereditary cancer-predisposing syndrome. Last evaluated: 2023-03-21. Review status: criteria provided, single submitter. Criteria: ACMG Guidelines, 2015. Collection method: clinical testing. Allele origin: germline.